The following is an entry in ClinVar:

ClinVar aggregate classification (germline): Benign/Likely benign. Review status: criteria provided, multiple submitters, no conflicts (2 of 4 stars). 2 submissions from 2 submitters: Benign (1); Likely benign (1). Last evaluated 2026-07-28.

Conditions:
Spinocerebellar ataxia, autosomal recessive, with axonal neuropathy 2 (SCAN2). Also called: ATAXIA-OCULOMOTOR APRAXIA 2; Ataxia-ocular apraxia-2; Ataxia with Oculomotor Apraxia Type 2; Ataxia with Oculomotor Apraxia. Identifiers: Orphanet 64753, MedGen C1853761, MONDO:0018996, OMIM 606002.
Amyotrophic lateral sclerosis type 4 (ALS4). Also called: AMYOTROPHIC LATERAL SCLEROSIS 4, JUVENILE; NEURONOPATHY, DISTAL HEREDITARY MOTOR, WITH PYRAMIDAL FEATURES. Identifiers: Orphanet 357043, MedGen C1865409, MONDO:0011223, OMIM 602433.
SETX-related disorder. Also called: SETX-related condition; SETX-related disorders. Identifiers: MedGen CN239403.

Allele frequency attached by ClinVar (database versions not stated): gnomAD exomes 0.00001; ExAC 0.00002; TOPMed 0.00002; gnomAD 0.00007; ESP Exome Variant Server 0.00008.
gnomAD v4.1: 20 of 1,614,076 alleles (0.0012%); highest among the groups gnomAD compares: African/African-American, 0.016%; no homozygotes.

Submissions (2):

PreventionGenetics, part of Exact Sciences
Classification: Likely benign for SETX-related condition. Last evaluated: 2026-07-28. Review status: criteria provided, single submitter. Criteria: ACMG Guidelines, 2015. Collection method: clinical testing. Allele origin: germline.
Comment: This variant is classified as likely benign based on ACMG/AMP sequence variant interpretation guidelines (Richards et al. 2015 PMID: 25741868, with internal and published modifications).

Labcorp Genetics (formerly Invitae), Labcorp
Classification: Benign for Amyotrophic lateral sclerosis type 4; Spinocerebellar ataxia, autosomal recessive, with axonal neuropathy 2. Last evaluated: 2024-10-08. Review status: criteria provided, single submitter. Criteria: Invitae Variant Classification Sherloc (09022015). Collection method: clinical testing. Allele origin: germline.

NM_015046.7(SETX):c.7716G>A (p.Thr2572=)

Gene: SETX (senataxin; minus strand). Cytogenetic location: 9q34.13.
Variant type: single nucleotide variant.
Coding change: c.7716G>A on transcript NM_015046.7 (MANE Select); coding-DNA position 7716, G replaced by A.
Protein change: p.Thr2572=; no amino-acid change (threonine 2572 retained).
Molecular consequence: synonymous variant.
Genome position (GRCh38, 1-based): chr9:132,264,557, C>T on the plus strand (G>A on the coding strand, the complement: SETX is on the minus strand). VCF-style: chr9-132264557-C-T. GRCh37 (hg19) VCF-style: chr9-135139944-C-T.
Other names: c.7716G>A, p.Thr2572= (NM_001351527.2); c.7803G>A, p.Thr2601= (NM_001351528.2).
Identifiers: ClinVar variation 2043373 (VCV002043373.5), dbSNP rs373142566, ClinGen allele CA5296350.